The following is an entry in ClinVar:

NM_152327.5(AK7):c.1020dup (p.Arg341fs)

Gene: AK7 (adenylate kinase 7; plus strand). Cytogenetic location: 14q32.2.
Variant type: Duplication.
Coding change: c.1020dup on transcript NM_152327.5 (MANE Select); coding-DNA position 1020, one base duplicated (T; older notation c.1020dupT).
Protein change: p.Arg341fs; shifts the reading frame from arginine 341.
Molecular consequence: frameshift variant.
Genome position (GRCh38, 1-based): chr14:96,451,492, T duplicated; the last of 2 consecutive T bases (chr14:96,451,491-96,451,492); duplicating either gives the same sequence. VCF-style (leftmost placement, unchanged base first): chr14-96451490-A-AT. GRCh37 (hg19) VCF-style: chr14-96917827-A-AT.
Other names: c.1020dup, p.Arg341fs (NM_001350888.2, NM_001350890.2, NM_001350892.2); c.942dup, p.Arg315fs (NM_001350891.2); short protein forms R315fs, R341fs.
Identifiers: ClinVar variation 3767638 (VCV003767638.1).
Genomic context (GRCh38, chr14:96,451,490, plus strand): 5'-CTTGACCATTTACTGGTCAACTTAAGAATGGAAGCGCTCTTTGTGAAGGAGAATTTTAAT[A>AT]TTCGATGGGCTGCCCAAACAGGATTTGTGGAAAATATCAACACTATCCTCAAGGAGTACA-3'

ClinVar aggregate classification (germline): Uncertain significance (1 of 4 stars; one submission).

Submission:

GeneDx
Classification: Uncertain significance. Last evaluated: 2023-08-21. Review status: criteria provided, single submitter. Criteria: GeneDx Variant Classification Process June 2021. Collection method: clinical testing. Allele origin: germline. Affected: yes.
Comment: Not observed at significant frequency in large population cohorts (gnomAD); Has not been previously published as pathogenic or benign to our knowledge; Frameshift variant predicted to result in protein truncation or nonsense mediated decay in a gene for which loss-of-function is not an established mechanism of disease; Variants in candidate genes are classified as variants of uncertain significance in accordance with ACMG guidelines (Richards et al., 2015)